The following is an entry in ClinVar:

ClinVar aggregate classification (germline): Pathogenic (1 of 4 stars; one submission).

Conditions:
Metaphyseal chondrodysplasia, Jansen type. Also called: PTH1R-Related Jansen Metaphyseal Chondrodysplasia; Metaphyseal chondrodysplasia Murk Jansen type. Identifiers: Orphanet 33067, MedGen C0265295, MONDO:0007982, OMIM 156400.

Submission:

Baylor Genetics
Classification: Pathogenic for Metaphyseal chondrodysplasia, Jansen type. Last evaluated: 2019-11-08. Review status: criteria provided, single submitter. Criteria: ACMG Guidelines, 2015. Collection method: clinical testing. Allele origin: unknown. Affected: yes.
Comment: This variant was determined to be pathogenic according to ACMG Guidelines, 2015 [PMID:25741868].

NM_000316.3(PTH1R):c.1373T>A (p.Ile458Lys)

Gene: PTH1R (parathyroid hormone 1 receptor; plus strand). Cytogenetic location: 3p21.31.
Variant type: single nucleotide variant.
Coding change: c.1373T>A on transcript NM_000316.3 (MANE Select); coding-DNA position 1373, T replaced by A.
Protein change: p.Ile458Lys; replaces isoleucine 458 with lysine.
Molecular consequence: missense variant.
Genome position (GRCh38, 1-based): chr3:46,902,768, T>A. VCF-style: chr3-46902768-T-A. GRCh37 (hg19) VCF-style: chr3-46944258-T-A.
Other names: c.1373T>A, p.Ile458Lys (NM_001184744.1); short protein forms I458K.
Identifiers: ClinVar variation 1030731 (VCV001030731.1), dbSNP rs121434600, ClinGen allele CA352503277.